The following is an entry in ClinVar:

NM_001199397.3(NEK1):c.3692T>C (p.Phe1231Ser)

Gene: NEK1 (NIMA related kinase 1; minus strand). Cytogenetic location: 4q33.
Variant type: single nucleotide variant.
Coding change: c.3692T>C on transcript NM_001199397.3 (MANE Select); coding-DNA position 3692, T replaced by C.
Protein change: p.Phe1231Ser; replaces phenylalanine 1231 with serine.
Molecular consequence: missense variant. On other transcripts: non-coding transcript variant (1).
Genome position (GRCh38, 1-based): chr4:169,400,543, A>G on the plus strand (T>C on the coding strand, the complement: NEK1 is on the minus strand). VCF-style: chr4-169400543-A-G. GRCh37 (hg19) VCF-style: chr4-170321694-A-G.
Other names: c.3560T>C, p.Phe1187Ser (NM_001199398.3); c.3401T>C, p.Phe1134Ser (NM_001199399.3); c.3476T>C, p.Phe1159Ser (NM_001199400.3); c.3692T>C, p.Phe1231Ser (NM_001374418.1); c.3608T>C, p.Phe1203Ser (NM_001374419.1, NM_012224.4); c.3557T>C, p.Phe1186Ser (NM_001374420.1); c.3209T>C, p.Phe1070Ser (NM_001374421.1); short protein forms F1186S, F1231S, F1070S, F1134S, F1159S, F1187S, F1203S.
Identifiers: ClinVar variation 3707207 (VCV003707207.2).

ClinVar aggregate classification (germline): Uncertain significance (1 of 4 stars; one submission).

Conditions:
Short-rib thoracic dysplasia 6 with or without polydactyly (SRTD6). Also called: SHORT RIB-POLYDACTYLY SYNDROME, TYPE IIA; Majewski Syndrome; POLYDACTYLY WITH NEONATAL CHONDRODYSTROPHY, TYPE II; SHORT-RIB THORACIC DYSPLASIA 6 WITH POLYDACTYLY; SHORT-RIB THORACIC DYSPLASIA 6 WITHOUT POLYDACTYLY. Identifiers: MedGen C0024507, MONDO:0009894, OMIM 263520.

Submission:

Labcorp Genetics (formerly Invitae), Labcorp
Classification: Uncertain significance for Short-rib thoracic dysplasia 6 with or without polydactyly. Last evaluated: 2024-12-24. Review status: criteria provided, single submitter. Criteria: Invitae Variant Classification Sherloc (09022015). Collection method: clinical testing. Allele origin: germline.
Comment: This sequence change replaces phenylalanine, which is neutral and non-polar, with serine, which is neutral and polar, at codon 1203 of the NEK1 protein (p.Phe1203Ser). This variant is not present in population databases (gnomAD no frequency). This variant has not been reported in the literature in individuals affected with NEK1-related conditions. Invitae Evidence Modeling of protein sequence and biophysical properties (such as structural, functional, and spatial information, amino acid conservation, physicochemical variation, residue mobility, and thermodynamic stability) indicates that this missense variant is not expected to disrupt NEK1 protein function with a negative predictive value of 80%. In summary, the available evidence is currently insufficient to determine the role of this variant in disease. Therefore, it has been classified as a Variant of Uncertain Significance.